The following is an entry in ClinVar:

NM_000094.4(COL7A1):c.84A>G (p.Arg28=)

Gene: COL7A1 (collagen type VII alpha 1 chain; minus strand). Cytogenetic location: 3p21.31.
Variant type: single nucleotide variant.
Coding change: c.84A>G on transcript NM_000094.4 (MANE Select); coding-DNA position 84, A replaced by G.
Protein change: p.Arg28=; no amino-acid change (arginine 28 retained).
Molecular consequence: synonymous variant.
Genome position (GRCh38, 1-based): chr3:48,595,076, T>C on the plus strand (A>G on the coding strand, the complement: COL7A1 is on the minus strand). VCF-style: chr3-48595076-T-C. GRCh37 (hg19) VCF-style: chr3-48632509-T-C.
Identifiers: ClinVar variation 590762 (VCV000590762.7), dbSNP rs1559444716, ClinGen allele CA433547019.

ClinVar aggregate classification (germline): Conflicting classifications of pathogenicity. Review status: criteria provided, conflicting classifications (1 of 4 stars). 3 submissions from 2 submitters: Pathogenic (2); Uncertain significance (1). Last evaluated 2023-05-11.

Conditions:
Epidermolysis bullosa dystrophica. Also called: Dystrophic epidermolysis bullosa; Dystrophic epidermolysis bullosa, Hallopeau-Siemens type (formerly). Identifiers: Orphanet 303, MedGen C0079294, MONDO:0006543.
Recessive dystrophic epidermolysis bullosa (RDEB). Also called: EPIDERMOLYSIS BULLOSA DYSTROPHICA, GENERALIZED SEVERE, AUTOSOMAL RECESSIVE; epidermolysis bullosa dystrophica, autosomal recessive; Hallopeau-Siemens Disease; DYSTROPHIC EPIDERMOLYSIS BULLOSA, AUTOSOMAL RECESSIVE; EPIDERMOLYSIS BULLOSA DYSTROPHICA, HALLOPEAU-SIEMENS TYPE; severe generalized recessive dystrophic epidermolysis bullosa. Identifiers: Orphanet 79408, Orphanet 79409, MedGen C0079474, MONDO:0009179, OMIM 226600.

Submissions (3):

Labcorp Genetics (formerly Invitae), Labcorp
Classification: Uncertain significance. Last evaluated: 2023-05-11. Review status: criteria provided, single submitter. Criteria: Invitae Variant Classification Sherloc (09022015). Collection method: clinical testing. Allele origin: germline.
Comment: In summary, the available evidence is currently insufficient to determine the role of this variant in disease. Therefore, it has been classified as a Variant of Uncertain Significance. Algorithms developed to predict the effect of sequence changes on RNA splicing suggest that this variant may disrupt the consensus splice site. ClinVar contains an entry for this variant (Variation ID: 590762). This variant has not been reported in the literature in individuals affected with COL7A1-related conditions. This variant is not present in population databases (gnomAD no frequency). This sequence change affects codon 28 of the COL7A1 mRNA. It is a 'silent' change, meaning that it does not change the encoded amino acid sequence of the COL7A1 protein. It affects a nucleotide within the consensus splice site.

Biomedical Innovation Departament, CIEMAT
Classification: Pathogenic for Dystrophic epidermolysis bullosa. Last evaluated: 2017-12-12. Review status: criteria provided, single submitter. Criteria: ACMG Guidelines, 2015. Collection method: research. Allele origin: germline. Affected: yes. Observed: 4 variant alleles.

Biomedical Innovation Departament, CIEMAT
Classification: Pathogenic for Recessive dystrophic epidermolysis bullosa. Last evaluated: 2017-11-27. Review status: criteria provided, single submitter. Criteria: ACMG Guidelines, 2015. Collection method: clinical testing. Allele origin: inherited. Inheritance: Autosomal recessive inheritance. Affected: yes. Observed: 4 variant alleles, 4 compound heterozygotes.